The following is an entry in ClinVar:

NM_005918.4(MDH2):c.505G>A (p.Val169Met)

Gene: MDH2 (malate dehydrogenase 2; plus strand). Cytogenetic location: 7q11.23.
Variant type: single nucleotide variant.
Coding change: c.505G>A on transcript NM_005918.4 (MANE Select); coding-DNA position 505, G replaced by A.
Protein change: p.Val169Met; replaces valine 169 with methionine.
Molecular consequence: missense variant. On other transcripts: intron variant (1).
Genome position (GRCh38, 1-based): chr7:76,060,448, G>A. VCF-style: chr7-76060448-G-A. GRCh37 (hg19) VCF-style: chr7-75689766-G-A.
Other names: c.184G>A, p.Val62Met (NM_001282404.2); c.429+2370G>A (NM_001282403.2); c.505G>A (NM_005918.2); short protein forms V62M, V169M.
Identifiers: ClinVar variation 1494719 (VCV001494719.10), dbSNP rs145207041, ClinGen allele CA4305563.

ClinVar aggregate classification (germline): Uncertain significance. Review status: criteria provided, multiple submitters, no conflicts (2 of 4 stars). 4 submissions from 4 submitters: Uncertain significance (4). Last evaluated 2025-03-04.

Conditions:
Inborn genetic diseases. Identifiers: MedGen C0950123, MeSH D030342.

Allele frequency attached by ClinVar (database versions not stated): gnomAD 0.00001 and 0.00002; TOPMed 0.00001; gnomAD exomes 0.00003; ExAC 0.00006; ESP Exome Variant Server 0.00008.

Submissions (4):

Center for Genomic Medicine, Rigshospitalet, Copenhagen University Hospital
Classification: Uncertain significance. Last evaluated: 2025-03-04. Review status: criteria provided, single submitter. Criteria: ACMG Guidelines, 2015. Collection method: clinical testing. Allele origin: germline.

Labcorp Genetics (formerly Invitae), Labcorp
Classification: Uncertain significance. Last evaluated: 2024-10-26. Review status: criteria provided, single submitter. Criteria: Invitae Variant Classification Sherloc (09022015). Collection method: clinical testing. Allele origin: germline.
Comment: This sequence change replaces valine, which is neutral and non-polar, with methionine, which is neutral and non-polar, at codon 169 of the MDH2 protein (p.Val169Met). This variant is present in population databases (rs145207041, gnomAD 0.01%). This variant has not been reported in the literature in individuals affected with MDH2-related conditions. ClinVar contains an entry for this variant (Variation ID: 1494719). Invitae Evidence Modeling of protein sequence and biophysical properties (such as structural, functional, and spatial information, amino acid conservation, physicochemical variation, residue mobility, and thermodynamic stability) indicates that this missense variant is not expected to disrupt MDH2 protein function with a negative predictive value of 80%. In summary, the available evidence is currently insufficient to determine the role of this variant in disease. Therefore, it has been classified as a Variant of Uncertain Significance.

Ambry Genetics
Classification: Uncertain significance for Inborn genetic diseases. Last evaluated: 2024-08-12. Review status: criteria provided, single submitter. Criteria: Ambry Variant Classification Scheme 2023. Collection method: clinical testing. Allele origin: germline.

Blueprint Genetics
Classification: Uncertain significance. Last evaluated: 2024-07-31. Review status: criteria provided, single submitter. Criteria: ACMG Guidelines, 2015. Collection method: clinical testing. Allele origin: germline.